The following continues an entry in ClinVar:

NM_005359.6(SMAD4):c.1081C>T (p.Arg361Cys)

Gene: SMAD4. ClinVar aggregate classification (germline): Pathogenic/Likely pathogenic. Pathogenic (7); Likely pathogenic (1). ClinVar aggregate classification (oncogenicity): Oncogenic.

Submissions 8 to 14 of 14:

ARUP Laboratories, Molecular Genetics and Genomics, ARUP Laboratories
Classification: Pathogenic. Last evaluated: 2019-11-06. Review status: criteria provided, single submitter. Criteria: ARUP Molecular Germline Variant Investigation Process. Collection method: clinical testing. Allele origin: germline.
Comment: The SMAD4 c.1081C>T; p.Arg361Cys variant (rs80338963) is reported in the literature in multiple individuals affected with hereditary hemorrhagic telangiectasia (HHT) or juvenile polyposis syndrome (JPS) (Aretz 2007, Gallione 2006, Gallione 2010, Houlston 1998, Woodford-Richens 2001). This variant is absent from general population databases (Exome Variant Server, Genome Aggregation Database), indicating it is not a common polymorphism. The arginine at amino acid 361 is highly conserved, and functional analyses suggest that this variant exhibits deficient homo-oligomerization and deficient binding to other partner proteins (Shi 1997), which may result in instability and degradation (Woodford-Richens 2001). Additionally, other amino acid substitutions at this codon (Gly, His, Leu, Ser) have been reported in individuals with HHT or JPS and are considered disease-causing (Aretz 2007, Gallione 2010, Howe 2004). Based on available information, the p.Arg361Cys variant is considered to be pathogenic. References: Aretz S et al. High proportion of large genomic deletions and a genotype phenotype update in 80 unrelated families with juvenile polyposis syndrome. J Med Genet. 2007 Nov;44(11):702-9. Gallione C et al. Overlapping spectra of SMAD4 mutations in juvenile polyposis (JP) and JP-HHT syndrome. Am J Med Genet A. 2010 Feb;152A(2):333-9. Gallione CJ et al. SMAD4 mutations found in unselected HHT patients. J Med Genet. 2006 Oct;43(10):793-7. Houlston et al. Mutations in DPC4 (SMAD4) cause juvenile polyposis syndrome, but only account for a minority of cases. Hum Mol Genet. 1998 Nov;7(12):1907-12. Howe JR et al. The prevalence of MADH4 and BMPR1A mutations in juvenile polyposis and absence of BMPR2, BMPR1B, and ACVR1 mutations. J Med Genet. 2004 Jul;41(7):484-91. Shi Y et al. A structural basis for mutational inactivation of the tumour suppressor Smad4. Nature. 1997 Jul 3;388(6637):87-93. Woodford-Richens KL et al. Comprehensive analysis of SMAD4 mutations and protein expression in juvenile polyposis: evidence for a distinct genetic pathway and polyp morphology in SMAD4 mutation carriers. Am J Pathol. 2001 Oct;159(4):1293-300.

NIHR Bioresource Rare Diseases, University of Cambridge
Classification: Pathogenic for Juvenile polyposis/hereditary hemorrhagic telangiectasia syndrome. Last evaluated: 2018-01-01. Review status: criteria provided, single submitter. Criteria: ACMG Guidelines, 2015. Collection method: research. Allele origin: unknown. Affected: yes. Observed: 1 variant allele.
Comment: PM2+PM1+PP2+PP4

PreventionGenetics, part of Exact Sciences
Classification: Pathogenic for SMAD4-related condition. Last evaluated: 2024-01-25. Review status: no assertion criteria provided. Collection method: clinical testing. Allele origin: germline. Not counted in ClinVar's aggregate classification.
Comment: The SMAD4 c.1081C>T variant is predicted to result in the amino acid substitution p.Arg361Cys. This variant has been reported in multiple individuals with juvenile polyposis coli and hereditary hemorrhagic telangiectasia syndrome (see for example, Table 1, Woodford-Richens et al. 2000. PubMed ID: 10764709; Table 1, Gallione et al. 2010. PubMed ID: 20101697; Hashimoto et al. 2020. PubMed ID: 32944796). This variant has not been reported in a large population database, indicating this variant is rare. This variant has been classified as pathogenic by other institutions in ClinVar. Alternate nucleotide substitutions affecting the same amino acid (p.Arg361His, p.Arg361Gly, p.Arg361Leu, and p.Arg361Ser), have been reported in multiple individuals with juvenile polyposis coli and hereditary hemorrhagic telangiectasia syndrome (Table 1, Howe et al. 2004. PubMed ID: 15235019; Table 1, Gallione et al. 2004. PubMed ID: 15031030; Table 1, Gallione et al. 2010. PubMed ID: 20101697). The c.1081C>T (p.Arg361Cys) variant is interpreted as pathogenic.

OMIM
Classification: Pathogenic for JUVENILE POLYPOSIS SYNDROME. Last evaluated: 2006-10-01. Review status: no assertion criteria provided. Collection method: literature only. Allele origin: unknown. Not counted in ClinVar's aggregate classification.

OMIM
Classification: Pathogenic for JUVENILE POLYPOSIS/HEREDITARY HEMORRHAGIC TELANGIECTASIA SYNDROME. Last evaluated: 2006-10-01. Review status: no assertion criteria provided. Collection method: literature only. Allele origin: unknown. Not counted in ClinVar's aggregate classification.

GeneReviews
No classification provided. Condition: Generalized juvenile polyposis/juvenile polyposis coli. Review status: no classification provided. Collection method: literature only. Allele origin: unknown. Not counted in ClinVar's aggregate classification.

UniProtKB/Swiss-Prot
No classification provided. Review status: no classification provided. Collection method: not provided. Allele origin: not provided. Not counted in ClinVar's aggregate classification.

Literature cited by the submitters: PubMed 14647410 (cited by Center for Genomic Medicine, Rigshospitalet, Copenhagen University Hospital); PubMed 26488212 (cited by Center for Genomic Medicine, Rigshospitalet, Copenhagen University Hospital and Quest Diagnostics Nichols Institute San Juan Capistrano); PubMed 17873119 (cited by 4 submitters); PubMed 20101697 (cited by 5 submitters); PubMed 22316667 (cited by Ambry Genetics and Labcorp Genetics (formerly Invitae), Labcorp); PubMed 26572829 (cited by 3 submitters); PubMed 26900293 (cited by Ambry Genetics); PubMed 32573726 (cited by 3 submitters); PubMed 9811934 (cited by 6 submitters); PubMed 11583957 (cited by 4 submitters); PubMed 9214508 (cited by 4 submitters); PubMed 15799969 (cited by Quest Diagnostics Nichols Institute San Juan Capistrano and Myriad Genetics, Inc.); PubMed 38575304 (cited by Quest Diagnostics Nichols Institute San Juan Capistrano); PubMed 32944796 (cited by Quest Diagnostics Nichols Institute San Juan Capistrano and Mayo Clinic Laboratories, Mayo Clinic); PubMed 32810930 (cited by Women's Health and Genetics/Laboratory Corporation of America, LabCorp); PubMed 16613914 (cited by 6 submitters); PubMed 10764709 (cited by 3 submitters); PubMed 10797267 (cited by Labcorp Genetics (formerly Invitae), Labcorp); PubMed 15031030 (cited by Labcorp Genetics (formerly Invitae), Labcorp and Myriad Genetics, Inc.); PubMed 15235019 (cited by Labcorp Genetics (formerly Invitae), Labcorp); PubMed 9582123 (cited by OMIM and GeneReviews); PubMed 8898652 (cited by OMIM and GeneReviews); PubMed 9285566 (cited by OMIM and GeneReviews); PubMed 20301642 (cited by GeneReviews); NCBI Bookshelf NBK1469 (cited by GeneReviews).